The following is an entry in ClinVar:

NM_002578.5(PAK3):c.277-1190C>G

Gene: PAK3 (p21 (RAC1) activated kinase 3; plus strand). Cytogenetic location: Xq23.
Variant type: single nucleotide variant.
Coding change: c.277-1190C>G on transcript NM_002578.5 (MANE Select); 1190 bases into the intron before coding-DNA position 277, C replaced by G.
Molecular consequence: intron variant. On other transcripts: missense variant (6).
Genome position (GRCh38, 1-based): chrX:111,146,547, C>G. VCF-style: chrX-111146547-C-G. GRCh37 (hg19) VCF-style: chrX-110389775-C-G.
Other names: c.366C>G, p.Cys122Trp (NM_001128168.3); c.303C>G, p.Cys101Trp (NM_001128173.3, NM_001324327.2, NM_001324328.2 and 2 more transcripts); c.277-1190C>G (NM_001128166.3, NM_001324325.2, NM_001324330.2 and 5 more transcripts); c.340-1190C>G (NM_001128172.2); short protein forms C101W, C122W.
Identifiers: ClinVar variation 1733758 (VCV001733758.2), dbSNP rs2523434526, ClinGen allele CA414244144.
Genomic context (GRCh38, chrX:111,146,547, plus strand): 5'-CTTTCTTTTCTTTCTTTATTTACGTCCATTACAGCCAGATCTCTATGGCTCACAGATGTG[C>G]CCAGGGAAGCTCCCAGAGGTGCGTCACAGGCCCAAAAGAAGCTTGCATCAAAGTGCTTCT-3'

ClinVar aggregate classification (germline): Uncertain significance (1 of 4 stars; one submission).

Conditions:
Inborn genetic diseases. Identifiers: MedGen C0950123, MeSH D030342.

Submission:

Ambry Genetics
Classification: Uncertain significance for Inborn genetic diseases. Last evaluated: 2014-07-07. Review status: criteria provided, single submitter. Criteria: Ambry Variant Classification Scheme 2023. Collection method: clinical testing. Allele origin: germline.
Comment: The p.C122W variant (also known as c.366C>G), located in coding exon 4 of the PAK3 gene, results from a C to G substitution at nucleotide position 366. The cysteine at codon 122 is replaced by tryptophan, an amino acid with highly dissimilar properties. This variant was not reported in population based cohorts in the following databases: Database of Single Nucleotide Polymorphisms (dbSNP), NHLBI Exome Sequencing Project (ESP), and 1000 Genomes Project. In the ESP, this variant was not observed in 5137 samples with coverage at this position. This amino acid position is well conserved in available vertebrate species. In addition, this alteration is predicted to be deleterious by in silico analysis. Since supporting evidence is limited at this time, the clinical significance of this variant remains unclear.